The following is an entry in ClinVar:

NM_004415.4(DSP):c.1160C>T (p.Ser387Phe)

Gene: DSP (desmoplakin; plus strand). Cytogenetic location: 6p24.3.
Variant type: single nucleotide variant.
Coding change: c.1160C>T on transcript NM_004415.4 (MANE Select); coding-DNA position 1160, C replaced by T.
Protein change: p.Ser387Phe; replaces serine 387 with phenylalanine.
Molecular consequence: missense variant.
Genome position (GRCh38, 1-based): chr6:7,567,800, C>T. VCF-style: chr6-7567800-C-T. GRCh37 (hg19) VCF-style: chr6-7568033-C-T.
Other names: c.1160C>T, p.Ser387Phe (NM_001008844.3, NM_001319034.2, NM_001406591.1); short protein forms S387F.
Identifiers: ClinVar variation 3750324 (VCV003750324.2).
Genomic context (GRCh38, chr6:7,567,800, plus strand): 5'-TGAGTTGCTGTTCATTCACTGATCACTCTCATCCTTCACAGTTTTTTGAAGAGGCGCAGT[C>T]TACTGAAGCATACCTGAAGGGGCTCCAGGACTCCATCAGGAAGAAGTACCCCTGCGACAA-3'
Protein context (NP_004406.2, residues 377-397): AYFQFFEEAQ[Ser387Phe]TEAYLKGLQD

ClinVar aggregate classification (germline): Uncertain significance (1 of 4 stars; one submission).

Conditions:
Arrhythmogenic right ventricular dysplasia 8 (ARVD8). Also called: Arrhythmogenic Right Ventricular Dysplasia/Cardiomyopathy 8; ARRHYTHMOGENIC RIGHT VENTRICULAR DYSPLASIA, FAMILIAL, 8; ARRHYTHMOGENIC RIGHT VENTRICULAR CARDIOMYOPATHY 8. Identifiers: MedGen C1843896, MONDO:0011831, OMIM 607450.
Arrhythmogenic cardiomyopathy with wooly hair and keratoderma. Also called: PALMOPLANTAR KERATODERMA WITH LEFT VENTRICULAR CARDIOMYOPATHY AND WOOLLY HAIR; Carvajal syndrome; Dilated cardiomyopathy with woolly hair and keratoderma; Arrhythmogenic cardiomyopathy with woolly hair and keratoderma. Identifiers: Orphanet 65282, MedGen C1854063, MONDO:0011581, OMIM 605676.

gnomAD v4.1: 2 of 1,613,868 alleles (0.00012%); highest among the groups gnomAD compares: Non-Finnish European, 0.00017%; no homozygotes.

Submission:

Labcorp Genetics (formerly Invitae), Labcorp
Classification: Uncertain significance for Arrhythmogenic cardiomyopathy with wooly hair and keratoderma; Arrhythmogenic right ventricular dysplasia 8. Last evaluated: 2024-10-15. Review status: criteria provided, single submitter. Criteria: Invitae Variant Classification Sherloc (09022015). Collection method: clinical testing. Allele origin: germline.
Comment: This sequence change replaces serine, which is neutral and polar, with phenylalanine, which is neutral and non-polar, at codon 387 of the DSP protein (p.Ser387Phe). This variant is present in population databases (rs780567419, gnomAD 0.002%). This variant has not been reported in the literature in individuals affected with DSP-related conditions. An algorithm developed to predict the effect of missense changes on protein structure and function (PolyPhen-2) suggests that this variant is likely to be disruptive. In summary, the available evidence is currently insufficient to determine the role of this variant in disease. Therefore, it has been classified as a Variant of Uncertain Significance.